The following is an entry in ClinVar:

ClinVar aggregate classification (germline): Uncertain significance (1 of 4 stars; one submission).

Submission:

Women's Health and Genetics/Laboratory Corporation of America, LabCorp
Classification: Uncertain significance. Last evaluated: 2025-02-19. Review status: criteria provided, single submitter. Criteria: LabCorp Variant Classification Summary - May 2015. Collection method: clinical testing. Allele origin: germline.
Comment: Variant summary: CYP1B1 c.570C>A (p.Phe190Leu) results in a non-conservative amino acid change located in the Cytochrome P450 (IPR001128) of the encoded protein sequence. Four of five in-silico tools predict a benign effect of the variant on protein function. The variant was absent in 168424 control chromosomes. The available data on variant occurrences in the general population are insufficient to allow any conclusion about variant significance. c.570C>A has been reported in the literature in individuals affected with Primary Congenital Glaucoma (Tanwar_2009). These report(s) do not provide unequivocal conclusions about association of the variant with Primary Congenital Glaucoma. To our knowledge, no experimental evidence demonstrating an impact on protein function has been reported. The following publication have been ascertained in the context of this evaluation (PMID: 19536304). No submitters have cited clinical-significance assessments for this variant to ClinVar. Based on the evidence outlined above, the variant was classified as uncertain significance.

Literature cited by the submitters: PubMed 19536304.

NM_000104.4(CYP1B1):c.570C>A (p.Phe190Leu)

Gene: CYP1B1 (cytochrome P450 family 1 subfamily B member 1; minus strand). Cytogenetic location: 2p22.2.
Variant type: single nucleotide variant.
Coding change: c.570C>A on transcript NM_000104.4 (MANE Select); coding-DNA position 570, C replaced by A.
Protein change: p.Phe190Leu; replaces phenylalanine 190 with leucine.
Molecular consequence: missense variant.
Genome position (GRCh38, 1-based): chr2:38,074,819, G>T on the plus strand (C>A on the coding strand, the complement: CYP1B1 is on the minus strand). VCF-style: chr2-38074819-G-T. GRCh37 (hg19) VCF-style: chr2-38301962-G-T.
Other names: short protein forms F190L.
Identifiers: ClinVar variation 3768926 (VCV003768926.1).